The following is an entry in ClinVar:

NM_001122681.2(SH3BP2):c.*2485T>C

Gene: SH3BP2 (SH3 domain binding protein 2; plus strand). Cytogenetic location: 4p16.3.
Variant type: single nucleotide variant.
Coding change: c.*2485T>C on transcript NM_001122681.2 (MANE Select); 2485 bases downstream of the stop codon, T replaced by C.
Molecular consequence: 3 prime UTR variant.
Genome position (GRCh38, 1-based): chr4:2,836,319, T>C. VCF-style: chr4-2836319-T-C. GRCh37 (hg19) VCF-style: chr4-2838046-T-C.
Other names: c.*2485T>C (LRG_1334t1, LRG_1334t2, NM_001145855.2 and 2 more transcripts).
Identifiers: ClinVar variation 348635 (VCV000348635.5), dbSNP rs536625304, ClinGen allele CA10620908.
Genomic context (GRCh38, chr4:2,836,319, plus strand): 5'-GTGTTGGGGTGGGATGGGGCAGGCCGTGGTCCTCCAGCATGAAGAAGGAGCCATGAGGAG[T>C]TCCCATGACCTCCCGAGACTTGCCATAAGTGTTCTAGTCCACATATAAGGGTAGGGTTGG-3'

ClinVar aggregate classification (germline): Benign (1 of 4 stars; one submission).

Conditions:
Fibrous dysplasia of jaw (CRBM). Also called: Cherubism. Identifiers: Orphanet 184, MedGen C0008029, MONDO:0007315, OMIM 118400.

Allele frequency attached by ClinVar (database versions not stated): gnomAD below 0.00001 and 0.00005; TOPMed 0.00001; 1000 Genomes Project 30x 0.00031; 1000 Genomes Project 0.00060.

Submission:

Illumina Laboratory Services, Illumina
Classification: Benign for Fibrous dysplasia of jaw. Last evaluated: 2018-01-13. Review status: criteria provided, single submitter. Criteria: ICSL Variant Classification Criteria 13 December 2019. Collection method: clinical testing. Allele origin: germline.
Comment: This variant was observed in the ICSL laboratory as part of a predisposition screen in an ostensibly healthy population. It had not been previously curated by ICSL or reported in the Human Gene Mutation Database (HGMD: prior to June 1st, 2018), and was therefore a candidate for classification through an automated scoring system. Utilizing variant allele frequency, disease prevalence and penetrance estimates, and inheritance mode, an automated score was calculated to assess if this variant is too frequent to cause the disease. Based on the score and internal cut-off values, a variant classified as benign is not then subjected to further curation. The score for this variant resulted in a classification of benign for this disease.